The following is an entry in ClinVar:

NM_004369.4(COL6A3):c.479T>C (p.Leu160Pro)

Gene: COL6A3 (collagen type VI alpha 3 chain; minus strand). Cytogenetic location: 2q37.3.
Variant type: single nucleotide variant.
Coding change: c.479T>C on transcript NM_004369.4 (MANE Select); coding-DNA position 479, T replaced by C.
Protein change: p.Leu160Pro; replaces leucine 160 with proline.
Molecular consequence: missense variant. On other transcripts: intron variant (4).
Genome position (GRCh38, 1-based): chr2:237,394,817, A>G on the plus strand (T>C on the coding strand, the complement: COL6A3 is on the minus strand). VCF-style: chr2-237394817-A-G. GRCh37 (hg19) VCF-style: chr2-238303460-A-G.
Other names: c.91+1910T>C (NM_057166.5, NM_057167.4, NM_057164.5 and 1 more transcripts); short protein forms L160P.
Identifiers: ClinVar variation 1676906 (VCV001676906.2), dbSNP rs2106388155, ClinGen allele CA351226943.

ClinVar aggregate classification (germline): Uncertain significance (1 of 4 stars; one submission).

Submission:

GeneDx
Classification: Uncertain significance. Last evaluated: 2021-10-14. Review status: criteria provided, single submitter. Criteria: GeneDx Variant Classification Process June 2021. Collection method: clinical testing. Allele origin: germline. Affected: yes.
Comment: Has not been previously published as pathogenic or benign to our knowledge; Not observed at significant frequency in large population cohorts (gnomAD); In silico analysis supports that this missense variant does not alter protein structure/function